The following is an entry in ClinVar:

ClinVar aggregate classification (germline): Likely benign. Review status: criteria provided, multiple submitters, no conflicts (2 of 4 stars). 2 submissions from 2 submitters: Likely benign (2). Last evaluated 2023-10-09.

Conditions:
Pyruvate dehydrogenase E3 deficiency (DLDD). Also called: Dihydrolipoamide Dehydrogenase E3 Deficiency; Dihydrolipoamide Dehydrogenase (E3) Deficiency; DLD DEFICIENCY; E3 DEFICIENCY; Lipoamide dehydrogenase deficiency, lactic acidosis due to; Dihydrolipoamide Dehydrogenase Deficiency. Identifiers: Orphanet 2394, Orphanet 765, MedGen C5574660, MONDO:0009529, OMIM 246900.

Allele frequency attached by ClinVar (database versions not stated): TOPMed below 0.00001; gnomAD 0.00001; gnomAD exomes 0.00001; ExAC 0.00002.
gnomAD v4.1: 5 of 1,613,170 alleles (0.00031%); highest among the groups gnomAD compares: East Asian, 0.0089%; no homozygotes.

Submissions (2):

Labcorp Genetics (formerly Invitae), Labcorp
Classification: Likely benign for Pyruvate dehydrogenase E3 deficiency. Last evaluated: 2023-10-09. Review status: criteria provided, single submitter. Criteria: Invitae Variant Classification Sherloc (09022015). Collection method: clinical testing. Allele origin: germline.

GeneDx
Classification: Likely benign. Last evaluated: 2018-04-05. Review status: criteria provided, single submitter. Criteria: GeneDx Variant Classification (06012015). Collection method: clinical testing. Allele origin: germline. Affected: yes.
Comment: This variant is considered likely benign or benign based on one or more of the following criteria: it is a conservative change, it occurs at a poorly conserved position in the protein, it is predicted to be benign by multiple in silico algorithms, and/or has population frequency not consistent with disease.

NM_000108.5(DLD):c.96G>C (p.Leu32=)

Gene: DLD (dihydrolipoamide dehydrogenase; plus strand). Cytogenetic location: 7q31.1.
Variant type: single nucleotide variant.
Coding change: c.96G>C on transcript NM_000108.5 (MANE Select); coding-DNA position 96, G replaced by C.
Protein change: p.Leu32=; no amino-acid change (leucine 32 retained).
Molecular consequence: synonymous variant. On other transcripts: 5 prime UTR variant (1).
Genome position (GRCh38, 1-based): chr7:107,893,256, G>C. VCF-style: chr7-107893256-G-C. GRCh37 (hg19) VCF-style: chr7-107533701-G-C.
Other names: c.-53G>C (NM_001289750.1); c.96G>C, p.Leu32= (NM_001289751.1, NM_001289752.1).
Identifiers: ClinVar variation 680924 (VCV000680924.12), dbSNP rs765623212, ClinGen allele CA4434352.